The following is an entry in ClinVar:

NM_006766.5(KAT6A):c.3345_3346insTCA (p.Asp1115_Ala1116insSer)

Gene: KAT6A (lysine acetyltransferase 6A; minus strand). Cytogenetic location: 8p11.21.
Variant type: Insertion.
Coding change: c.3345_3346insTCA on transcript NM_006766.5 (MANE Select); coding-DNA positions 3345 to 3346, TCA inserted.
Protein change: p.Asp1115_Ala1116insSer.
Molecular consequence: inframe insertion.
Genome position: GRCh38 VCF-style: chr8-41937262-C-CTGA. GRCh37 (hg19) VCF-style: chr8-41794780-C-CTGA.
Identifiers: ClinVar variation 4730028 (VCV004730028.1).
Genomic context (GRCh38, chr8:41,937,262, plus strand): 5'-CTGCTATATATCTGAAGACAATAAACCACAGTAAGTGAGTTCTGTAAAACATACCATCAG[C>CTGA]ATCATCTGACTCTTCATCTTCTTCTTCATCTTTAGACTTCCTCTTAGAAGAGGACTGACA-3'

ClinVar aggregate classification (germline): Uncertain significance (1 of 4 stars; one submission).

Submission:

Labcorp Genetics (formerly Invitae), Labcorp
Classification: Uncertain significance. Last evaluated: 2025-10-27. Review status: criteria provided, single submitter. Criteria: Invitae Variant Classification Sherloc (09022015). Collection method: clinical testing. Allele origin: germline.
Comment: This variant, c.3345_3346insTCA, results in the insertion of 1 amino acid(s) of the KAT6A protein (p.Asp1115_Ala1116insSer), but otherwise preserves the integrity of the reading frame. This variant is not present in population databases (gnomAD no frequency). This variant has not been reported in the literature in individuals affected with KAT6A-related conditions. In summary, the available evidence is currently insufficient to determine the role of this variant in disease. Therefore, it has been classified as a Variant of Uncertain Significance.